The following is an entry in ClinVar:

NM_017654.4(SAMD9):c.2414A>G (p.Asp805Gly)

Gene: SAMD9 (sterile alpha motif domain containing 9; minus strand). Cytogenetic location: 7q21.2.
Variant type: single nucleotide variant.
Coding change: c.2414A>G on transcript NM_017654.4 (MANE Select); coding-DNA position 2414, A replaced by G.
Protein change: p.Asp805Gly; replaces aspartic acid 805 with glycine.
Molecular consequence: missense variant.
Genome position (GRCh38, 1-based): chr7:93,103,684, T>C on the plus strand (A>G on the coding strand, the complement: SAMD9 is on the minus strand). VCF-style: chr7-93103684-T-C. GRCh37 (hg19) VCF-style: chr7-92732997-T-C.
Other names: c.2414A>G, p.Asp805Gly (NM_001193307.2); short protein forms D805G.
Identifiers: ClinVar variation 1803127 (VCV001803127.3), dbSNP rs2535358325, ClinGen allele CA368190691.

ClinVar aggregate classification (germline): Conflicting classifications of pathogenicity. Review status: criteria provided, conflicting classifications (1 of 4 stars). 3 submissions from 3 submitters: Likely pathogenic (2); VUS-high (1). Last evaluated 2026-04-29.

Conditions:
MIRAGE syndrome. Also called: MYELODYSPLASIA, INFECTION, RESTRICTION OF GROWTH, ADRENAL HYPOPLASIA, GENITAL PHENOTYPES, AND ENTEROPATHY. Identifiers: Orphanet 494433, MedGen C4284088, MONDO:0014888, OMIM 617053.

Submissions (3):

Department of Precision Medicine, Korea National Institute of Health
Classification: VUS-high for MIRAGE syndrome. Last evaluated: 2026-04-29. Review status: criteria provided, single submitter. Criteria: ACMG Guidelines, 2015. Collection method: research. Allele origin: de novo. Affected: yes. Observed: 1 variant allele.
Comment: PM2 (Variant not found in gnomAD), PP5 (ClinVar classifies this variant as Likely Pathogenic), BP4 (MetaRNN = 0.145)

3billion
Classification: Likely pathogenic for MIRAGE syndrome. Last evaluated: 2024-07-29. Review status: criteria provided, single submitter. Criteria: ACMG Guidelines, 2015. Collection method: clinical testing. Allele origin: germline. Affected: yes.
Comment: The variant is not observed in the gnomAD v4.0.0 dataset. Predicted Consequence/Location: Missense variant In silico tool predictions suggest damaging effect of the variant on gene or gene product [3Cnet: 0.97 (>=0.6, sensitivity 0.72 and precision 0.9)]. The same nucleotide change resulting in the same amino acid change has been previously reported to be associated with SAMD9 related disorder (ClinVar ID: VCV001803127). Therefore, this variant is classified as Likely pathogenic according to the recommendation of ACMG/AMP guideline.

Genetics and Molecular Pathology, SA Pathology
Classification: Likely pathogenic for MIRAGE syndrome. Last evaluated: 2022-03-08. Review status: criteria provided, single submitter. Criteria: ACMG Guidelines, 2015. Collection method: clinical testing. Allele origin: germline. Inheritance: Autosomal dominant inheritance. Affected: yes.
Comment: The SAMD9 c.2414A>G variant is classified as LIKELY PATHOGENIC (PS2, PM2) The SAMD9 c.2414A>G variant is a single nucleotide change in exon 3/3 of the SAMD9 gene, which is predicted to change the amino acid aspartic acid at position 805 in the protein to glycine. This variant is absent from population databases (PM2). This variant has not been reported in dbSNP, ClinVar or HGMD. Computational predictions are equivocal.